The following is an entry in ClinVar:

NM_000540.3(RYR1):c.7650G>A (p.Leu2550=)

Gene: RYR1 (ryanodine receptor 1; plus strand). Cytogenetic location: 19q13.2.
Variant type: single nucleotide variant.
Coding change: c.7650G>A on transcript NM_000540.3 (MANE Select); coding-DNA position 7650, G replaced by A.
Protein change: p.Leu2550=; no amino-acid change (leucine 2550 retained).
Molecular consequence: synonymous variant.
Genome position (GRCh38, 1-based): chr19:38,502,542, G>A. VCF-style: chr19-38502542-G-A. GRCh37 (hg19) VCF-style: chr19-38993182-G-A.
Other names: c.7650G>A (NM_000540.2); c.7650G>A, p.Leu2550= (NM_001042723.2).
Identifiers: ClinVar variation 1100978 (VCV001100978.11), dbSNP rs367825019, ClinGen allele CA069923.
Genomic context (GRCh38, chr19:38,502,542, plus strand): 5'-CTGATGTCCTCACCCTGCGCCCTAGGCCACTTTCAGCACCACCGAGATGGCGCTGGCGCT[G>A]AACCGCTACCTGTGCCTGGCCGTGCTGCCGCTCATCACCAAGTGTGCGCCGCTCTTTGCG-3'
Protein context (NP_000531.2, residues 2540-2560): TFSTTEMALA[Leu2550=]NRYLCLAVLP

ClinVar aggregate classification (germline): Likely benign. Review status: criteria provided, multiple submitters, no conflicts (2 of 4 stars). 3 submissions from 3 submitters: Likely benign (2). 1 of the submissions does not count toward it. Last evaluated 2025-08-26.

Conditions:
RYR1-related disorder. Also called: RYR1-related disorders; RYR1-related condition. Identifiers: MedGen CN239331.
Malignant hyperthermia, susceptibility to, 1 (MHS1). Also called: RYR1-Related Malignant Hyperthermia Susceptibility; Malignant hyperthermia suceptibility 1; Anesthesia related hyperthermia; Malignant hyperpyrexia; Fulminating hyperpyrexia; Pharmacogenic myopathy. Identifiers: Orphanet 423, MedGen C2930980, MONDO:0007783, OMIM 145600.

Allele frequency attached by ClinVar (database versions not stated): ExAC 0.00006; gnomAD exomes 0.00006; ESP Exome Variant Server 0.00015.
gnomAD v4.1: 64 of 1,610,464 alleles (0.004%); highest among the groups gnomAD compares: African/African-American, 0.082%; no homozygotes.

Submissions (3):

Labcorp Genetics (formerly Invitae), Labcorp
Classification: Likely benign for RYR1-related disorder. Last evaluated: 2025-08-26. Review status: criteria provided, single submitter. Criteria: Invitae Variant Classification Sherloc (09022015). Collection method: clinical testing. Allele origin: germline.

Color Diagnostics, LLC DBA Color Health
Classification: Likely benign for Malignant hyperthermia, susceptibility to, 1. Last evaluated: 2022-11-06. Review status: criteria provided, single submitter. Criteria: ACMG Guidelines, 2015. Collection method: clinical testing. Allele origin: germline.

PreventionGenetics, part of Exact Sciences
Classification: Likely benign for RYR1-related condition. Last evaluated: 2019-03-27. Review status: no assertion criteria provided. Collection method: clinical testing. Allele origin: germline. Not counted in ClinVar's aggregate classification.
Comment: This variant is classified as likely benign based on ACMG/AMP sequence variant interpretation guidelines (Richards et al. 2015 PMID: 25741868, with internal and published modifications).